The following is an entry in ClinVar:

ClinVar aggregate classification (germline): Uncertain significance (1 of 4 stars; one submission).

Submission:

Women's Health and Genetics/Laboratory Corporation of America, LabCorp
Classification: Uncertain significance. Last evaluated: 2023-11-03. Review status: criteria provided, single submitter. Criteria: LabCorp Variant Classification Summary - May 2015. Collection method: clinical testing. Allele origin: germline.
Comment: Variant summary: The variant identified by MLPA or other technology involves the duplication of exons 2-22 in the JAK2 gene (includes the initiator codon). A presumed nomenclature of c.(-109+1_-108-1)_(3059+1_3060-1)dup has been designated for the purposes of this classification. It has been assumed that this is a tandem duplication in direct orientation (Richardson_GIM_2018, Newman_AJHG_2015). Although exact breakpoints of this duplication are not known, it is expected to result in a large duplication change in the JAK2 gene. The variant was absent in 21694 control chromosomes (gnomAD, structure variants dataset). The available data on variant occurrences in the general population are insufficient to allow any conclusion about variant significance. To our knowledge, no occurrence of c.(-109+1_-108-1)_(3059+1_3060-1)dup in individuals affected with JAK2-Related Disorders and no experimental evidence demonstrating its impact on protein function have been reported. No submitters have cited clinical-significance assessments for this variant to ClinVar after 2014. Based on the evidence outlined above, the variant was classified as uncertain significance.

NC_000009.11:g.(4985631_4985939)_(5090912_5123003)dup

Gene: JAK2 (Janus kinase 2; plus strand). Cytogenetic location: 9p24.1.
Variant type: Duplication.
Identifiers: ClinVar variation 2682306 (VCV002682306.1).